The following is an entry in ClinVar:

ClinVar aggregate classification (germline): Uncertain significance (1 of 4 stars; one submission).

Allele frequency attached by ClinVar (database versions not stated): gnomAD exomes below 0.00001.
gnomAD v4.1: 1 of 1,614,158 alleles (0.000062%); highest among the groups gnomAD compares: South Asian, 0.0011%; no homozygotes.

Submission:

Labcorp Genetics (formerly Invitae), Labcorp
Classification: Uncertain significance. Last evaluated: 2022-04-13. Review status: criteria provided, single submitter. Criteria: Invitae Variant Classification Sherloc (09022015). Collection method: clinical testing. Allele origin: germline.
Comment: This sequence change replaces glycine, which is neutral and non-polar, with glutamic acid, which is acidic and polar, at codon 1986 of the SZT2 protein (p.Gly1986Glu). This variant is present in population databases (no rsID available, gnomAD 0.003%). This variant has not been reported in the literature in individuals affected with SZT2-related conditions. Algorithms developed to predict the effect of missense changes on protein structure and function are either unavailable or do not agree on the potential impact of this missense change (SIFT: "Tolerated"; PolyPhen-2: "Possibly Damaging"; Align-GVGD: "Class C0"). In summary, the available evidence is currently insufficient to determine the role of this variant in disease. Therefore, it has been classified as a Variant of Uncertain Significance.

NM_001365999.1(SZT2):c.6128G>A (p.Gly2043Glu)

Gene: SZT2 (SZT2 subunit of KICSTOR complex; plus strand). Cytogenetic location: 1p34.2.
Variant type: single nucleotide variant.
Coding change: c.6128G>A on transcript NM_001365999.1 (MANE Select); coding-DNA position 6128, G replaced by A.
Protein change: p.Gly2043Glu; replaces glycine 2043 with glutamic acid.
Molecular consequence: missense variant.
Genome position (GRCh38, 1-based): chr1:43,437,264, G>A. VCF-style: chr1-43437264-G-A. GRCh37 (hg19) VCF-style: chr1-43902935-G-A.
Other names: c.5957G>A, p.Gly1986Glu (NM_015284.4); short protein forms G1986E, G2043E.
Identifiers: ClinVar variation 2156452 (VCV002156452.1), dbSNP rs1328312645, ClinGen allele CA340028413.